The following is an entry in ClinVar:

NM_004415.4(DSP):c.2695T>C (p.Cys899Arg)

Gene: DSP (desmoplakin; plus strand). Cytogenetic location: 6p24.3.
Variant type: single nucleotide variant.
Coding change: c.2695T>C on transcript NM_004415.4 (MANE Select); coding-DNA position 2695, T replaced by C.
Protein change: p.Cys899Arg; replaces cysteine 899 with arginine.
Molecular consequence: missense variant.
Genome position (GRCh38, 1-based): chr6:7,576,358, T>C. VCF-style: chr6-7576358-T-C. GRCh37 (hg19) VCF-style: chr6-7576591-T-C.
Other names: c.2695T>C, p.Cys899Arg (NM_001008844.3, NM_001319034.2); short protein forms C899R.
Identifiers: ClinVar variation 1472636 (VCV001472636.8), dbSNP rs2113686590, ClinGen allele CA362681926.
Genomic context (GRCh38, chr6:7,576,358, plus strand): 5'-TGGGACCTGGAGAAACAAATCAAGCAATTGAGGAATTATCGTGATAACTATCAGGCTTTC[T>C]GCAAGTGGCTCTATGATGCTAAACGCCGCCAGGATTCCTTAGAATCCATGAAATTTGGAG-3'
Protein context (NP_004406.2, residues 889-909): RNYRDNYQAF[Cys899Arg]KWLYDAKRRQ

ClinVar aggregate classification (germline): Uncertain significance (1 of 4 stars; one submission).

Conditions:
Arrhythmogenic cardiomyopathy with wooly hair and keratoderma. Also called: Carvajal syndrome; Arrhythmogenic cardiomyopathy with woolly hair and keratoderma; Dilated cardiomyopathy with woolly hair and keratoderma; PALMOPLANTAR KERATODERMA WITH LEFT VENTRICULAR CARDIOMYOPATHY AND WOOLLY HAIR. Identifiers: Orphanet 65282, MedGen C1854063, MONDO:0011581, OMIM 605676.
Arrhythmogenic right ventricular dysplasia 8 (ARVD8). Also called: ARRHYTHMOGENIC RIGHT VENTRICULAR DYSPLASIA, FAMILIAL, 8; Arrhythmogenic Right Ventricular Dysplasia/Cardiomyopathy 8; ARRHYTHMOGENIC RIGHT VENTRICULAR CARDIOMYOPATHY 8. Identifiers: MedGen C1843896, MONDO:0011831, OMIM 607450.

Submission:

Labcorp Genetics (formerly Invitae), Labcorp
Classification: Uncertain significance for Arrhythmogenic cardiomyopathy with wooly hair and keratoderma; Arrhythmogenic right ventricular dysplasia 8. Last evaluated: 2021-07-16. Review status: criteria provided, single submitter. Criteria: Invitae Variant Classification Sherloc (09022015). Collection method: clinical testing. Allele origin: germline.
Comment: In summary, the available evidence is currently insufficient to determine the role of this variant in disease. Therefore, it has been classified as a Variant of Uncertain Significance. Algorithms developed to predict the effect of missense changes on protein structure and function (SIFT, PolyPhen-2, Align-GVGD) all suggest that this variant is likely to be tolerated. This variant has not been reported in the literature in individuals affected with DSP-related conditions. This variant is not present in population databases (ExAC no frequency). This sequence change replaces cysteine with arginine at codon 899 of the DSP protein (p.Cys899Arg). The cysteine residue is moderately conserved and there is a large physicochemical difference between cysteine and arginine.